The following is an entry in ClinVar:

NM_213599.3(ANO5):c.1407+6C>A

Gene: ANO5 (anoctamin 5; plus strand). Cytogenetic location: 11p14.3.
Variant type: single nucleotide variant.
Coding change: c.1407+6C>A on transcript NM_213599.3 (MANE Select); 6 bases into the intron after coding-DNA position 1407, C replaced by A.
Molecular consequence: intron variant.
Genome position (GRCh38, 1-based): chr11:22,257,760, C>A. VCF-style: chr11-22257760-C-A. GRCh37 (hg19) VCF-style: chr11-22279306-C-A.
Other names: c.1404+6C>A (NM_001142649.2).
Identifiers: ClinVar variation 859437 (VCV000859437.10), dbSNP rs748023499, ClinGen allele CA5923243.

ClinVar aggregate classification (germline): Uncertain significance (1 of 4 stars; one submission).

Conditions:
Gnathodiaphyseal dysplasia (GDD). Also called: GNATHODIAPHYSEAL SCLEROSIS; OSTEOGENESIS IMPERFECTA WITH UNUSUAL SKELETAL LESIONS. Identifiers: Orphanet 53697, MedGen C1833736, MONDO:0008151, OMIM 166260.
Autosomal recessive limb-girdle muscular dystrophy type 2L (LGMDR12). Also called: MUSCULAR DYSTROPHY, LIMB-GIRDLE, AUTOSOMAL RECESSIVE 12; Limb-Girdle Muscular Dystrophy R12 Anoctamin-5-Related (LGMD-R12); Limb-girdle muscular dystrophy, type 2L. Identifiers: Orphanet 206549, MedGen C1969785, MONDO:0012652, OMIM 611307.

Allele frequency attached by ClinVar (database versions not stated): TOPMed 0.00003; gnomAD 0.00003.
gnomAD v4.1: 33 of 1,604,294 alleles (0.0021%); highest among the groups gnomAD compares: Admixed American, 0.0067%; no homozygotes.

Submission:

Labcorp Genetics (formerly Invitae), Labcorp
Classification: Uncertain significance for Autosomal recessive limb-girdle muscular dystrophy type 2L; Gnathodiaphyseal dysplasia. Last evaluated: 2024-11-11. Review status: criteria provided, single submitter. Criteria: Invitae Variant Classification Sherloc (09022015). Collection method: clinical testing. Allele origin: germline.
Comment: This sequence change falls in intron 14 of the ANO5 gene. It does not directly change the encoded amino acid sequence of the ANO5 protein. It affects a nucleotide within the consensus splice site. This variant is present in population databases (rs748023499, gnomAD 0.007%). This variant has not been reported in the literature in individuals affected with ANO5-related conditions. ClinVar contains an entry for this variant (Variation ID: 859437). Variants that disrupt the consensus splice site are a relatively common cause of aberrant splicing (PMID: 17576681, 9536098). Algorithms developed to predict the effect of sequence changes on RNA splicing suggest that this variant may disrupt the consensus splice site. In summary, the available evidence is currently insufficient to determine the role of this variant in disease. Therefore, it has been classified as a Variant of Uncertain Significance.

Literature cited by the submitters: PubMed 17576681; PubMed 9536098.